The following is an entry in ClinVar:

ClinVar aggregate classification (germline): Uncertain significance (1 of 4 stars; one submission).

Conditions:
Cardiovascular phenotype. Identifiers: MedGen CN230736.

Submission:

Ambry Genetics
Classification: Uncertain significance for Cardiovascular phenotype. Last evaluated: 2021-06-04. Review status: criteria provided, single submitter. Criteria: Ambry Variant Classification Scheme 2023. Collection method: clinical testing. Allele origin: germline.
Comment: The p.E783G variant (also known as c.2348A>G), located in coding exon 15 of the FLNC gene, results from an A to G substitution at nucleotide position 2348. The glutamic acid at codon 783 is replaced by glycine, an amino acid with similar properties. This amino acid position is highly conserved in available vertebrate species. In addition, this alteration is predicted to be deleterious by in silico analysis. Since supporting evidence is limited at this time, the clinical significance of this alteration remains unclear.

NM_001458.5(FLNC):c.2348A>G (p.Glu783Gly)

Gene: FLNC (filamin C; plus strand). Cytogenetic location: 7q32.1.
Variant type: single nucleotide variant.
Coding change: c.2348A>G on transcript NM_001458.5 (MANE Select); coding-DNA position 2348, A replaced by G.
Protein change: p.Glu783Gly; replaces glutamic acid 783 with glycine.
Molecular consequence: missense variant.
Genome position (GRCh38, 1-based): chr7:128,842,657, A>G. VCF-style: chr7-128842657-A-G. GRCh37 (hg19) VCF-style: chr7-128482711-A-G.
Other names: c.2348A>G, p.Glu783Gly (NM_001127487.2); short protein forms E783G.
Identifiers: ClinVar variation 1789944 (VCV001789944.2), dbSNP rs2536631525, ClinGen allele CA369191302.